The following is an entry in ClinVar:

NM_001023.4(RPS20):c.4-4_4-2del

Gene: RPS20 (ribosomal protein S20; minus strand). Cytogenetic location: 8q12.1.
Variant type: Microsatellite.
Coding change: c.4-4_4-2del on transcript NM_001023.4 (MANE Select); 4 bases into the intron before coding-DNA position 4 through the canonical splice acceptor site of the intron before coding-DNA position 4, 3 bases deleted (ATA; older notation c.4-4_4-2delATA).
Molecular consequence: splice acceptor variant.
Genome position (GRCh38, 1-based): chr8:56,074,161-56,074,163, TAT deleted on the plus strand (ATA on the coding strand, the reverse complement: RPS20 is on the minus strand); deleting any 3 consecutive bases within chr8:56,074,161-56,074,168 gives the same sequence; the c. name uses the placement nearest the transcript's 3' end. VCF-style (leftmost placement, unchanged base first): chr8-56074160-CTAT-C. GRCh37 (hg19) VCF-style: chr8-56986719-CTAT-C.
Other names: c.4-4_4-2del (NM_001146227.3).
Identifiers: ClinVar variation 5042364 (VCV005042364.1).

ClinVar aggregate classification (germline): Likely benign (1 of 4 stars; one submission).

Conditions:
Familial colorectal cancer type X. Identifiers: Orphanet 440437, MedGen C3896578, MONDO:0018604.

Submission:

Myriad Genetics, Inc.
Classification: Likely benign for Familial colorectal cancer type X. Last evaluated: 2026-07-31. Review status: criteria provided, single submitter. Criteria: Myriad Autosomal Dominant, Autosomal Recessive and X-Linked Classification Criteria (2023). Collection method: clinical testing. Allele origin: unknown.
Comment: This variant is considered likely benign. This variant is intronic and is not expected to impact mRNA splicing.